The following is an entry in ClinVar:

ClinVar aggregate classification (germline): Pathogenic. Review status: criteria provided, multiple submitters, no conflicts (2 of 4 stars). 4 submissions from 4 submitters: Pathogenic (4). Last evaluated 2026-06-01.

Conditions:
Familial X-linked hypophosphatemic vitamin D refractory rickets (XLHRD). Also called: Hypophosphatemic Rickets, X-Linked Dominant; Hypophosphatemia, vitamin D-resistant rickets; Vitamin D-resistant rickets, X-linked; X-Linked Hypophosphatemia; HYPOPHOSPHATEMIC VITAMIN D-RESISTANT RICKETS. Identifiers: Orphanet 89936, MedGen C0733682, MONDO:0010619, OMIM 307800.

Submissions (4):

CeGaT Center for Human Genetics Tuebingen
Classification: Pathogenic. Last evaluated: 2026-06-01. Review status: criteria provided, single submitter. Criteria: CeGaT Center For Human Genetics Tuebingen Variant Classification Criteria Version 2. Collection method: clinical testing. Allele origin: germline. Affected: yes. Observed: 1 variant allele.
Comment: PHEX: PVS1, PM2

Women's Health and Genetics/Laboratory Corporation of America, LabCorp
Classification: Pathogenic for Familial X-linked hypophosphatemic vitamin D refractory rickets. Last evaluated: 2024-11-12. Review status: criteria provided, single submitter. Criteria: LabCorp Variant Classification Summary - May 2015. Collection method: clinical testing. Allele origin: germline.
Comment: Variant summary: PHEX c.1828_1832dupAAGTT (p.Phe611LeufsX10) results in a premature termination codon, predicted to cause a truncation of the encoded protein or absence of the protein due to nonsense mediated decay, which are commonly known mechanisms for disease. The variant was absent in 183318 control chromosomes. c.1828_1832dupAAGTT has been reported in the literature in individuals affected with X-Linked Hypophosphatemia (e.g. Sarafrazi_2021, Labcorp (formerly Invitae) Internal case). To our knowledge, no experimental evidence demonstrating an impact on protein function has been reported. ClinVar contains an entry for this variant (Variation ID: 429875). Based on the evidence outlined above, the variant was classified as pathogenic.

Labcorp Genetics (formerly Invitae), Labcorp
Classification: Pathogenic. Last evaluated: 2020-11-13. Review status: criteria provided, single submitter. Criteria: Invitae Variant Classification Sherloc (09022015). Collection method: clinical testing. Allele origin: germline.
Comment: For these reasons, this variant has been classified as Pathogenic. This variant has been observed in individual(s) with X-linked hypophosphatemia (Invitae). ClinVar contains an entry for this variant (Variation ID: 429875). This variant is not present in population databases (ExAC no frequency). This sequence change creates a premature translational stop signal (p.Phe611Leufs*10) in the PHEX gene. It is expected to result in an absent or disrupted protein product. Loss-of-function variants in PHEX are known to be pathogenic (PMID: 9097956, 9106524, 19219621).

GeneDx
Classification: Pathogenic. Last evaluated: 2015-09-21. Review status: criteria provided, single submitter. Criteria: GeneDx Variant Classification (06012015). Collection method: clinical testing. Allele origin: germline. Affected: yes.
Comment: The c.1828_1832dupAAGTT pathogenic variant in the PHEX gene causes a frameshift starting with codon Phenylalanine 611, changes this amino acid to a Leucine residue and creates a premature Stop codon at position 10 of the new reading frame, denoted p.Phe611LeufsX10. This pathogenic variant is predicted to cause loss of normal protein function either through protein truncation or nonsense-mediated mRNA decay. Although this pathogenic variant has not been previously reported to our knowledge, we interpret it as pathogenic.

Literature cited by the submitters: PubMed 34806794 (cited by Women's Health and Genetics/Laboratory Corporation of America, LabCorp); PubMed 9097956 (cited by Labcorp Genetics (formerly Invitae), Labcorp); PubMed 9106524 (cited by Labcorp Genetics (formerly Invitae), Labcorp); PubMed 19219621 (cited by Labcorp Genetics (formerly Invitae), Labcorp).

NM_000444.6(PHEX):c.1828_1832dup (p.Phe611fs)

Genes: PTCHD1-AS (PTCHD1 and PHEX antisense RNA; minus strand), PHEX (phosphate regulating endopeptidase X-linked; plus strand). Cytogenetic location: Xp22.11.
Variant type: Duplication.
Coding change: c.1828_1832dup on transcript NM_000444.6 (MANE Select); coding-DNA positions 1828 to 1832, 5 bases duplicated (AAGTT; older notation c.1828_1832dupAAGTT).
Protein change: p.Phe611fs; shifts the reading frame from phenylalanine 611.
Molecular consequence: frameshift variant.
Genome position (GRCh38, 1-based): chrX:22,221,672-22,221,676, AAGTT duplicated. VCF-style (leftmost placement, unchanged base first): chrX-22221671-A-AAAGTT. GRCh37 (hg19) VCF-style: chrX-22239788-A-AAAGTT.
Other names: c.1828_1832dup, p.Phe611fs (NM_001282754.2); c.1828_1832dupAAGTT (NM_000444.6); short protein forms F611fs.
Identifiers: ClinVar variation 429875 (VCV000429875.11), dbSNP rs1131691645, ClinGen allele CA645369751.